The following is an entry in ClinVar:

ClinVar aggregate classification (germline): Likely pathogenic. Review status: criteria provided, multiple submitters, no conflicts (2 of 4 stars). 5 submissions from 5 submitters: Likely pathogenic (5). Last evaluated 2025-12-30.

Conditions:
Intellectual disability. Also called: Intellectual developmental disorder; Intellectual functioning disability; intellectual disabilities. Identifiers: MedGen C3714756, MeSH D008607, MONDO:0001071, HP:0001249.
Waardenburg syndrome type 1 (WS1). Also called: Waardenburg Syndrome Type I; WAARDENBURG SYNDROME WITH DYSTOPIA CANTHORUM. Identifiers: Orphanet 894, MedGen C1847800, MONDO:0008670, OMIM 193500.

gnomAD v4.1: 1 of 1,597,420 alleles (0.000063%); highest among the groups gnomAD compares: South Asian, 0.0011%; no homozygotes.

Submissions (5):

GeneDx
Classification: Likely pathogenic. Last evaluated: 2025-12-30. Review status: criteria provided, single submitter. Criteria: GeneDx Variant Classification Process June 2021. Collection method: clinical testing. Allele origin: germline.
Comment: Not observed at significant frequency in large population cohorts (gnomAD); In silico analysis supports that this missense variant has a deleterious effect on protein structure/function; This variant is associated with the following publications: (PMID: 28381738, 34038854, 18325909, 16280008, 8406487, 35887061, 37586840, 29407415, 28686331)

Labcorp Genetics (formerly Invitae), Labcorp
Classification: Likely pathogenic. Last evaluated: 2023-09-19. Review status: criteria provided, single submitter. Criteria: Invitae Variant Classification Sherloc (09022015). Collection method: clinical testing. Allele origin: germline.
Comment: In summary, the currently available evidence indicates that the variant is pathogenic, but additional data are needed to prove that conclusively. Therefore, this variant has been classified as Likely Pathogenic. Experimental studies have shown that this missense change affects PAX3 function (PMID: 18325909, 28381738). Advanced modeling of protein sequence and biophysical properties (such as structural, functional, and spatial information, amino acid conservation, physicochemical variation, residue mobility, and thermodynamic stability) performed at Invitae indicates that this missense variant is expected to disrupt PAX3 protein function. ClinVar contains an entry for this variant (Variation ID: 488034). This missense change has been observed in individuals with autosomal dominant Waardenburg syndrome (PMID: 28686331, 29407415). This variant is not present in population databases (gnomAD no frequency). This sequence change replaces glycine, which is neutral and non-polar, with arginine, which is basic and polar, at codon 42 of the PAX3 protein (p.Gly42Arg).

Laboratory of Human Genetics, Universidade de São Paulo
Classification: Likely pathogenic for Waardenburg syndrome type 1. Last evaluated: 2017-03-01. Review status: criteria provided, single submitter. Criteria: ACMG Guidelines, 2015. Collection method: research. Allele origin: inherited. Inheritance: Autosomal dominant inheritance. Affected: yes.

Center for Human Genetics, Inc
Classification: Likely pathogenic for Waardenburg syndrome type 1. Last evaluated: 2016-11-01. Review status: criteria provided, single submitter. Criteria: ACMG Guidelines, 2015. Collection method: clinical testing. Allele origin: germline. Affected: yes.

Equipe Genetique des Anomalies du Developpement, Université de Bourgogne
Classification: Likely pathogenic for Intellectual disability. Review status: criteria provided, single submitter. Criteria: ACMG Guidelines, 2015. Collection method: clinical testing. Allele origin: de novo. Affected: yes.

Literature cited by the submitters: PubMed 18325909 (cited by Labcorp Genetics (formerly Invitae), Labcorp); PubMed 28381738 (cited by Labcorp Genetics (formerly Invitae), Labcorp); PubMed 28686331 (cited by Labcorp Genetics (formerly Invitae), Labcorp); PubMed 29407415 (cited by Labcorp Genetics (formerly Invitae), Labcorp and Laboratory of Human Genetics, Universidade de São Paulo).

NM_181458.4(PAX3):c.124G>C (p.Gly42Arg)

Gene: PAX3 (paired box 3; minus strand). Cytogenetic location: 2q36.1.
Variant type: single nucleotide variant.
Coding change: c.124G>C on transcript NM_181458.4 (MANE Select); coding-DNA position 124, G replaced by C.
Protein change: p.Gly42Arg; replaces glycine 42 with arginine.
Molecular consequence: missense variant.
Genome position (GRCh38, 1-based): chr2:222,297,175, C>G on the plus strand (G>C on the coding strand, the complement: PAX3 is on the minus strand). VCF-style: chr2-222297175-C-G. GRCh37 (hg19) VCF-style: chr2-223161894-C-G.
Other names: c.124G>C, p.Gly42Arg (NM_000438.6, NM_001127366.3, NM_013942.5 and 4 more transcripts); short protein forms G42R.
Identifiers: ClinVar variation 488034 (VCV000488034.10), dbSNP rs773327091, ClinGen allele CA351113772.